The following is an entry in ClinVar:

NM_001277058.2(ERCC6):c.1488A>G (p.Gln496=)

Genes: ERCC6 (ERCC excision repair 6, chromatin remodeling factor; minus strand), PGBD3 (piggyBac transposable element derived 3; minus strand). Cytogenetic location: 10q11.23.
Variant type: single nucleotide variant.
Coding change: c.1488A>G on transcript NM_001277058.2 (MANE Plus Clinical); coding-DNA position 1488, A replaced by G.
Protein change: p.Gln496=; no amino-acid change (glutamine 496 retained).
Molecular consequence: synonymous variant. On other transcripts: intron variant (2).
Genome position (GRCh38, 1-based): chr10:49,517,031, T>C on the plus strand (A>G on the coding strand, the complement: ERCC6 is on the minus strand). VCF-style: chr10-49517031-T-C. GRCh37 (hg19) VCF-style: chr10-50725077-T-C.
Other names: c.1488A>G, p.Gln496= (NM_001277059.2); c.84A>G, p.Gln28= (NM_170753.3); c.1397+7002A>G (NM_001346440.2, NM_000124.4).
Identifiers: ClinVar variation 2640459 (VCV002640459.24), dbSNP rs765045713, ClinGen allele CA206617458.
Genomic context (GRCh38, chr10:49,517,031, plus strand): 5'-TCCACCTTCTTCATCTCCTGATTCCTCATCAGAAACAGGTGCTGTAGCATTTTCAGGTGG[T>C]TGTATCACTATAGCACTTGCTTCTATGCTGTCATCTGTCTCTAAAAGGTCAGTTATTTCA-3'
Protein context (NP_001263987.1, residues 486-506): DSIEASAIVI[Gln496=]PPENATAPVS

ClinVar aggregate classification (germline): Likely benign (1 of 4 stars; one submission).

Submission:

CeGaT Center for Human Genetics Tuebingen
Classification: Likely benign. Last evaluated: 2022-10-01. Review status: criteria provided, single submitter. Criteria: CeGaT Center For Human Genetics Tuebingen Variant Classification Criteria Version 2. Collection method: clinical testing. Allele origin: germline. Affected: yes. Observed: 1 variant allele.
Comment: ERCC6: PM2:Supporting, BP4, BP7; PGBD3: PM2:Supporting, BP4, BP7